The following is an entry in ClinVar:

NM_015295.3(SMCHD1):c.5284C>A (p.Arg1762Ser)

Gene: SMCHD1 (structural maintenance of chromosomes flexible hinge domain containing 1; plus strand). Cytogenetic location: 18p11.32.
Variant type: single nucleotide variant.
Coding change: c.5284C>A on transcript NM_015295.3 (MANE Select); coding-DNA position 5284, C replaced by A.
Protein change: p.Arg1762Ser; replaces arginine 1762 with serine.
Molecular consequence: missense variant.
Genome position (GRCh38, 1-based): chr18:2,775,842, C>A. VCF-style: chr18-2775842-C-A. GRCh37 (hg19) VCF-style: chr18-2775840-C-A.
Other names: short protein forms R1762S.
Identifiers: ClinVar variation 1329543 (VCV001329543.6), dbSNP rs202006154, ClinGen allele CA401684862.

ClinVar aggregate classification (germline): Uncertain significance. Review status: criteria provided, multiple submitters, no conflicts (2 of 4 stars). 2 submissions from 2 submitters: Uncertain significance (2). Last evaluated 2023-10-23.

Conditions:
Facioscapulohumeral muscular dystrophy 2 (FSHD2). Also called: MUSCULAR DYSTROPHY, FACIOSCAPULOHUMERAL, TYPE 1B; FACIOSCAPULOHUMERAL MUSCULAR DYSTROPHY 2, DIGENIC; FSHD2, DIGENIC. Identifiers: Orphanet 269, MedGen C1834671, MONDO:0008031, OMIM 158901.

Allele frequency attached by ClinVar (database versions not stated): gnomAD exomes below 0.00001.
gnomAD v4.1: 5 of 1,612,426 alleles (0.00031%); highest among the groups gnomAD compares: Non-Finnish European, 0.00034%; no homozygotes.

Submissions (2):

Labcorp Genetics (formerly Invitae), Labcorp
Classification: Uncertain significance for Facioscapulohumeral muscular dystrophy 2. Last evaluated: 2023-10-23. Review status: criteria provided, single submitter. Criteria: Invitae Variant Classification Sherloc (09022015). Collection method: clinical testing. Allele origin: germline.
Comment: This sequence change replaces arginine, which is basic and polar, with serine, which is neutral and polar, at codon 1762 of the SMCHD1 protein (p.Arg1762Ser). The frequency data for this variant in the population databases is considered unreliable, as metrics indicate poor data quality at this position in the gnomAD database. This variant has not been reported in the literature in individuals affected with SMCHD1-related conditions. ClinVar contains an entry for this variant (Variation ID: 1329543). Advanced modeling of protein sequence and biophysical properties (such as structural, functional, and spatial information, amino acid conservation, physicochemical variation, residue mobility, and thermodynamic stability) performed at Invitae indicates that this missense variant is not expected to disrupt SMCHD1 protein function with a negative predictive value of 80%. In summary, the available evidence is currently insufficient to determine the role of this variant in disease. Therefore, it has been classified as a Variant of Uncertain Significance.

GeneDx
Classification: Uncertain significance. Last evaluated: 2021-06-25. Review status: criteria provided, single submitter. Criteria: GeneDx Variant Classification Process June 2021. Collection method: clinical testing. Allele origin: germline. Affected: yes.
Comment: Not observed at significant frequency in large population cohorts (Lek et al., 2016); In silico analysis supports that this missense variant does not alter protein structure/function; Has not been previously published as pathogenic or benign to our knowledge; This variant is associated with the following publications: (PMID: 27535533)